The following is an entry in ClinVar:

NM_000419.5(ITGA2B):c.858C>T (p.Val286=)

Gene: ITGA2B (integrin subunit alpha 2b; minus strand). Cytogenetic location: 17q21.31.
Variant type: single nucleotide variant.
Coding change: c.858C>T on transcript NM_000419.5 (MANE Select); coding-DNA position 858, C replaced by T.
Protein change: p.Val286=; no amino-acid change (valine 286 retained).
Molecular consequence: synonymous variant.
Genome position (GRCh38, 1-based): chr17:44,384,344, G>A on the plus strand (C>T on the coding strand, the complement: ITGA2B is on the minus strand). VCF-style: chr17-44384344-G-A. GRCh37 (hg19) VCF-style: chr17-42461712-G-A.
Other names: c.858C>T (LRG_479t1).
Identifiers: ClinVar variation 323562 (VCV000323562.12), dbSNP rs376672078, ClinGen allele CA8603312.

ClinVar aggregate classification (germline): Likely benign. Review status: reviewed by expert panel (3 of 4 stars). 5 submissions from 5 submitters: Likely benign (1). 4 of the submissions do not count toward it. Last evaluated 2024-03-07.

Conditions:
Glanzmann thrombasthenia. Also called: THROMBASTHENIA OF GLANZMANN AND NAEGELI; Glanzmann's thrombasthenia; PLATELET GLYCOPROTEIN IIb-IIIa DEFICIENCY; Thrombasthenia. Identifiers: Orphanet 849, MedGen C0040015, MONDO:0100326.

Allele frequency attached by ClinVar (database versions not stated): gnomAD exomes 0.00002 and 0.00004; ExAC 0.00003; TOPMed 0.00003; gnomAD 0.00004 and 0.00005; ESP Exome Variant Server 0.00008.
gnomAD v4.1: 66 of 1,613,562 alleles (0.0041%); highest among the groups gnomAD compares: Non-Finnish European, 0.0053%; no homozygotes.

Submissions (5):

ClinGen Platelet Disorders Variant Curation Expert Panel, ClinGen
Classification: Likely benign for Glanzmann thrombasthenia. Last evaluated: 2024-03-07. Review status: reviewed by expert panel. Criteria: ClinGen Platelet ACMG Specifications v2-1. Collection method: curation. Allele origin: germline. Inheritance: Autosomal recessive inheritance.
Comment: NM_000419.5(ITGA2B):c.858C>T (p.Val286=) is a rare synonymous variant. The highest population minor allele frequency in gnomAD v4.0 is 0.00005254 (64/1179956 alleles) in the European (non-Finnish) population, which is lower than the ClinGen PD VCEP threshold (<0.0001; PM2_Supporting). This variant has not been reported in any affected individuals in published literature but has been reported once in a healthy individual as part of a population screen. In silico splicing tools predict this synonymous variant to have no impact on splicing and this is not a highly conserved nucleotide (BP4, BP7). In summary, this variant meets criteria for PM2_supporting, BP4, and BP7; and is therefore classified as likely benign.

Women's Health and Genetics/Laboratory Corporation of America, LabCorp
Classification: Likely benign. Last evaluated: 2026-03-25. Review status: criteria provided, single submitter. Criteria: LabCorp Variant Classification Summary - May 2015. Collection method: clinical testing. Allele origin: germline. Not counted in ClinVar's aggregate classification.

Labcorp Genetics (formerly Invitae), Labcorp
Classification: Likely benign for Glanzmann thrombasthenia. Last evaluated: 2023-07-26. Review status: criteria provided, single submitter. Criteria: Invitae Variant Classification Sherloc (09022015). Collection method: clinical testing. Allele origin: germline. Not counted in ClinVar's aggregate classification.

Blueprint Genetics
Classification: Likely benign. Last evaluated: 2023-03-22. Review status: criteria provided, single submitter. Criteria: ACMG Guidelines, 2015. Collection method: clinical testing. Allele origin: germline. Not counted in ClinVar's aggregate classification.

Illumina Laboratory Services, Illumina
Classification: Uncertain significance for Glanzmann thrombasthenia 1. Last evaluated: 2018-01-12. Review status: criteria provided, single submitter. Criteria: ICSL Variant Classification Criteria 13 December 2019. Collection method: clinical testing. Allele origin: germline. Not counted in ClinVar's aggregate classification.